The following is an entry in ClinVar:

NM_001375524.1(TRRAP):c.1563_1568dup (p.Pro523_Val524insAlaPro)

Gene: TRRAP (transformation/transcription domain associated protein; plus strand). Cytogenetic location: 7q22.1.
Variant type: Duplication.
Coding change: c.1563_1568dup on transcript NM_001375524.1 (MANE Select); coding-DNA positions 1563 to 1568, 6 bases duplicated (GGCCCC; older notation c.1563_1568dupGGCCCC).
Protein change: p.Pro523_Val524insAlaPro.
Genome position (GRCh38, 1-based): chr7:98,910,268-98,910,273, GGCCCC duplicated; duplicating any 6 consecutive bases within chr7:98,910,264-98,910,273 gives the same sequence; the c. name uses the placement nearest the transcript's 3' end. VCF-style (leftmost placement, unchanged base first): chr7-98910263-A-ACCCCGG. GRCh37 (hg19) VCF-style: chr7-98507886-A-ACCCCGG.
Other names: c.1563_1568dup, p.Pro523_Val524insAlaPro (NM_001244580.2, NM_003496.4).
Identifiers: ClinVar variation 4527231 (VCV004527231.1).
Genomic context (GRCh38, chr7:98,910,263, plus strand): 5'-CCAGCCCCTGTCCCTGCCCCACCTCCACCCCCGCCCCCACCCCCACCTGCCACCCCTGTG[A>ACCCCGG]CCCCGGCCCCCGTGCCTCCCTTCGAGAAGCAAGGAGAAAAGGACAAGGAAGACAAGCAGA-3'

ClinVar aggregate classification (germline): Uncertain significance (1 of 4 stars; one submission).

Submission:

GeneDx
Classification: Uncertain significance. Last evaluated: 2025-04-22. Review status: criteria provided, single submitter. Criteria: GeneDx Variant Classification Process June 2021. Collection method: clinical testing. Allele origin: germline. Affected: yes.
Comment: Not observed at significant frequency in large population cohorts (gnomAD); In-frame duplication of 2 amino acid(s) in a non-repeat region; Has not been previously published as pathogenic or benign to our knowledge